The following is an entry in ClinVar:

NM_001267550.2(TTN):c.31762+5G>T

Gene: TTN (titin; minus strand). Cytogenetic location: 2q31.2.
Variant type: single nucleotide variant.
Coding change: c.31762+5G>T on transcript NM_001267550.2 (MANE Select); 5 bases into the intron after coding-DNA position 31762, G replaced by T.
Molecular consequence: intron variant.
Genome position (GRCh38, 1-based): chr2:178,692,011, C>A on the plus strand (G>T on the coding strand, the complement: TTN is on the minus strand). VCF-style: chr2-178692011-C-A. GRCh37 (hg19) VCF-style: chr2-179556738-C-A.
Other names: c.13282+46071G>T (NM_003319.4); c.13858+46071G>T (NM_133437.4); c.13657+46071G>T (NM_133432.3); c.28030+5G>T (NM_133378.4); c.30811+5G>T (NM_001256850.1).
Identifiers: ClinVar variation 1484151 (VCV001484151.6), dbSNP rs145387989, ClinGen allele CA2573133906.
Genomic context (GRCh38, chr2:178,692,011, plus strand): 5'-GATCGTAGAAAGCAAAAGGCTGGCACTTGGAGCAAAGAGTCTCCCCATCATTGGCTCTGG[C>A]GTACCTTTTGGGGGAGCAGCAGGTTCCTTCTTAGGCACAGGAACTGGCTTTTTCTCCTCT-3'

ClinVar aggregate classification (germline): Uncertain significance (1 of 4 stars; one submission).

Conditions:
Dilated cardiomyopathy 1G (CMD1G). Identifiers: Orphanet 154, MedGen C1858763, MONDO:0011400, OMIM 604145.
Autosomal recessive limb-girdle muscular dystrophy type 2J (LGMDR10). Also called: Limb-girdle muscular dystrophy, type 2J; MUSCULAR DYSTROPHY, LIMB-GIRDLE, AUTOSOMAL RECESSIVE 10. Identifiers: Orphanet 140922, MedGen C1837342, MONDO:0012127, OMIM 608807.

Submission:

Labcorp Genetics (formerly Invitae), Labcorp
Classification: Uncertain significance for Dilated cardiomyopathy 1G; Autosomal recessive limb-girdle muscular dystrophy type 2J. Last evaluated: 2023-03-15. Review status: criteria provided, single submitter. Criteria: Invitae Variant Classification Sherloc (09022015). Collection method: clinical testing. Allele origin: germline.
Comment: In summary, the available evidence is currently insufficient to determine the role of this variant in disease. Therefore, it has been classified as a Variant of Uncertain Significance. This variant is located in the I band of TTN (PMID: 25589632). Variants in this region may be clinically relevant, but have not been definitively shown to cause cardiomyopathy or neuromuscular disease (PMID: 27493940, 32778822). Variants that disrupt the consensus splice site are a relatively common cause of aberrant splicing (PMID: 17576681, 9536098). Algorithms developed to predict the effect of sequence changes on RNA splicing suggest that this variant is not likely to affect RNA splicing. ClinVar contains an entry for this variant (Variation ID: 1484151). This variant has not been reported in the literature in individuals affected with TTN-related conditions. This variant is not present in population databases (gnomAD no frequency). This sequence change falls in intron 121 of the TTN gene. It does not directly change the encoded amino acid sequence of the TTN protein. It affects a nucleotide within the consensus splice site.

Literature cited by the submitters: PubMed 25589632; PubMed 27493940; PubMed 32778822; PubMed 17576681; PubMed 9536098.